The following is an entry in ClinVar:

ClinVar aggregate classification (germline): Uncertain significance. Review status: criteria provided, multiple submitters, no conflicts (2 of 4 stars). 2 submissions from 2 submitters: Uncertain significance (2). Last evaluated 2023-08-17.

Conditions:
Cardiovascular phenotype. Identifiers: MedGen CN230736.
Hereditary cancer-predisposing syndrome. Also called: Tumor predisposition; Hereditary Cancer Syndrome; Hereditary neoplastic syndrome; Neoplastic Syndromes, Hereditary. Identifiers: Orphanet 140162, MedGen C0027672, MeSH D009386, MONDO:0015356.
Neurofibromatosis, type 1 (NF1). Also called: VON RECKLINGHAUSEN DISEASE; NEUROFIBROMATOSIS, TYPE I, SOMATIC; Peripheral type neurofibromatosis; Neurofibromatosis, type I. Identifiers: Orphanet 636, MedGen C0027831, MONDO:0018975, OMIM 162200. Disease mechanism: loss of function.

Allele frequency attached by ClinVar (database versions not stated): gnomAD exomes below 0.00001.
gnomAD v4.1: 1 of 1,613,654 alleles (0.000062%); highest among the groups gnomAD compares: Non-Finnish European, 0.000085%; no homozygotes.

Submissions (2):

Labcorp Genetics (formerly Invitae), Labcorp
Classification: Uncertain significance for Neurofibromatosis, type 1. Last evaluated: 2023-08-17. Review status: criteria provided, single submitter. Criteria: Invitae Variant Classification Sherloc (09022015). Collection method: clinical testing. Allele origin: germline.
Comment: This variant is not present in population databases (gnomAD no frequency). In summary, the available evidence is currently insufficient to determine the role of this variant in disease. Therefore, it has been classified as a Variant of Uncertain Significance. Advanced modeling of protein sequence and biophysical properties (such as structural, functional, and spatial information, amino acid conservation, physicochemical variation, residue mobility, and thermodynamic stability) has been performed at Invitae for this missense variant, however the output from this modeling did not meet the statistical confidence thresholds required to predict the impact of this variant on NF1 protein function. ClinVar contains an entry for this variant (Variation ID: 237542). This variant has not been reported in the literature in individuals affected with NF1-related conditions. This sequence change replaces serine, which is neutral and polar, with cysteine, which is neutral and slightly polar, at codon 947 of the NF1 protein (p.Ser947Cys).

Ambry Genetics
Classification: Uncertain significance for Cardiovascular phenotype; Hereditary cancer-predisposing syndrome. Last evaluated: 2021-09-10. Review status: criteria provided, single submitter. Criteria: Ambry Variant Classification Scheme 2023. Collection method: clinical testing. Allele origin: germline.

NM_001042492.3(NF1):c.2840C>G (p.Ser947Cys)

Gene: NF1 (neurofibromin 1; plus strand). Cytogenetic location: 17q11.2.
Variant type: single nucleotide variant.
Coding change: c.2840C>G on transcript NM_001042492.3 (MANE Select); coding-DNA position 2840, C replaced by G.
Protein change: p.Ser947Cys; replaces serine 947 with cysteine.
Molecular consequence: missense variant.
Genome position (GRCh38, 1-based): chr17:31,229,455, C>G. VCF-style: chr17-31229455-C-G. GRCh37 (hg19) VCF-style: chr17-29556473-C-G.
Other names: c.2840C>G, p.Ser947Cys (NM_000267.4); short protein forms S947C.
Identifiers: ClinVar variation 237542 (VCV000237542.6), dbSNP rs878853879, ClinGen allele CA10583488.